The following is an entry in ClinVar:

NM_032273.4(TMEM126A):c.258del (p.Phe86fs)

Gene: TMEM126A (transmembrane protein 126A; plus strand). Cytogenetic location: 11q14.1.
Variant type: Deletion.
Coding change: c.258del on transcript NM_032273.4 (MANE Select); coding-DNA position 258, one base deleted (T; older notation c.258delT).
Protein change: p.Phe86fs; shifts the reading frame from phenylalanine 86.
Molecular consequence: frameshift variant.
Genome position (GRCh38, 1-based): chr11:85,654,234, T deleted; the last of 4 consecutive T bases (chr11:85,654,231-85,654,234); deleting any one gives the same sequence. VCF-style (leftmost placement, unchanged base first): chr11-85654230-GT-G. GRCh37 (hg19) VCF-style: chr11-85365274-GT-G.
Other names: c.48del, p.Phe16fs (NM_001244735.2); short protein forms F16fs, F86fs.
Identifiers: ClinVar variation 3780714 (VCV003780714.2).
Genomic context (GRCh38, chr11:85,654,230, plus strand): 5'-TAGCTGCTGGCTTACCAATGGCAGGGATACCTTTTCTTACAACAGACTTAACTTACAGAT[GT>G]TTTGTAAGTTTTCCTTTGAATACAGGTAAATTCTACTTCACTATCACCAAAGAGTTTGCC-3'

ClinVar aggregate classification (germline): Pathogenic/Likely pathogenic. Review status: criteria provided, multiple submitters, no conflicts (2 of 4 stars). 2 submissions from 2 submitters: Pathogenic (1); Likely pathogenic (1). Last evaluated 2025-05-07.

Conditions:
Autosomal recessive optic atrophy, OPA7 type. Also called: OPTIC ATROPHY 7 WITH OR WITHOUT AUDITORY NEUROPATHY. Identifiers: Orphanet 227976, Orphanet 98676, MedGen C2751812, MONDO:0013069, OMIM 612989.

Submissions (2):

Labcorp Genetics (formerly Invitae), Labcorp
Classification: Pathogenic. Last evaluated: 2025-05-07. Review status: criteria provided, single submitter. Criteria: Invitae Variant Classification Sherloc (09022015). Collection method: clinical testing. Allele origin: germline.
Comment: This sequence change creates a premature translational stop signal (p.Phe86Leufs*2) in the TMEM126A gene. It is expected to result in an absent or disrupted protein product. Loss-of-function variants in TMEM126A are known to be pathogenic (PMID: 19327736). This variant is not present in population databases (gnomAD no frequency). This variant has not been reported in the literature in individuals affected with TMEM126A-related conditions. For these reasons, this variant has been classified as Pathogenic.

Department of Pathology and Laboratory Medicine, Sinai Health System
Classification: Likely pathogenic for Autosomal recessive optic atrophy, OPA7 type. Last evaluated: 2023-09-09. Review status: criteria provided, single submitter. Criteria: ACMG Guidelines, 2015. Collection method: research. Allele origin: germline.

Literature cited by the submitters: PubMed 19327736 (cited by Labcorp Genetics (formerly Invitae), Labcorp).